The following is an entry in ClinVar:

NM_017672.6(TRPM7):c.2144A>G (p.Asn715Ser)

Gene: TRPM7 (transient receptor potential cation channel subfamily M member 7; minus strand). Cytogenetic location: 15q21.2.
Variant type: single nucleotide variant.
Coding change: c.2144A>G on transcript NM_017672.6 (MANE Select); coding-DNA position 2144, A replaced by G.
Protein change: p.Asn715Ser; replaces asparagine 715 with serine.
Molecular consequence: missense variant. On other transcripts: non-coding transcript variant (3).
Genome position (GRCh38, 1-based): chr15:50,611,229, T>C on the plus strand (A>G on the coding strand, the complement: TRPM7 is on the minus strand). VCF-style: chr15-50611229-T-C. GRCh37 (hg19) VCF-style: chr15-50903426-T-C.
Other names: c.2144A>G, p.Asn715Ser (NM_001301212.2); short protein forms N715S.
Identifiers: ClinVar variation 3370867 (VCV003370867.2).

ClinVar aggregate classification (germline): Uncertain significance (1 of 4 stars; one submission).

gnomAD v4.1: 8 of 1,614,012 alleles (0.0005%); highest among the groups gnomAD compares: Non-Finnish European, 0.00068%; no homozygotes.

Submission:

GeneDx
Classification: Uncertain significance. Last evaluated: 2025-02-10. Review status: criteria provided, single submitter. Criteria: GeneDx Variant Classification Process June 2021. Collection method: clinical testing. Allele origin: germline. Affected: yes.
Comment: Not observed at significant frequency in large population cohorts (gnomAD); In silico analysis supports that this missense variant has a deleterious effect on protein structure/function; Has not been previously published as pathogenic or benign to our knowledge